The following is an entry in ClinVar:

ClinVar aggregate classification (germline): Uncertain significance. Review status: criteria provided, multiple submitters, no conflicts (2 of 4 stars). 2 submissions from 2 submitters: Uncertain significance (2). Last evaluated 2022-02-20.

Conditions:
Hereditary spastic paraplegia 48. Also called: Spastic paraplegia 48; SPASTIC PARAPLEGIA 48, AUTOSOMAL RECESSIVE. Identifiers: Orphanet 306511, MedGen C3150901, MONDO:0013342, OMIM 613647.

Allele frequency attached by ClinVar (database versions not stated): ExAC 0.00002; gnomAD 0.00004 and 0.00005; TOPMed 0.00007; ESP Exome Variant Server 0.00008.

Submissions (2):

Labcorp Genetics (formerly Invitae), Labcorp
Classification: Uncertain significance for Hereditary spastic paraplegia 48. Last evaluated: 2022-02-20. Review status: criteria provided, single submitter. Criteria: Invitae Variant Classification Sherloc (09022015). Collection method: clinical testing. Allele origin: germline.
Comment: In summary, the available evidence is currently insufficient to determine the role of this variant in disease. Therefore, it has been classified as a Variant of Uncertain Significance. Algorithms developed to predict the effect of missense changes on protein structure and function (SIFT, PolyPhen-2, Align-GVGD) all suggest that this variant is likely to be tolerated. ClinVar contains an entry for this variant (Variation ID: 412235). This missense change has been observed in individual(s) with clinical features of AP5Z1-related conditions (PMID: 32989326). This variant is present in population databases (rs370859268, gnomAD 0.01%). This sequence change replaces aspartic acid, which is acidic and polar, with asparagine, which is neutral and polar, at codon 43 of the AP5Z1 protein (p.Asp43Asn).

Breakthrough Genomics
Classification: Uncertain significance. Review status: criteria provided, single submitter. Criteria: ACMG Guidelines, 2015. Collection method: not provided. Allele origin: germline. Inheritance: Autosomal recessive inheritance. Affected: yes.

Literature cited by the submitters: PubMed 32989326 (cited by Labcorp Genetics (formerly Invitae), Labcorp).

NM_014855.3(AP5Z1):c.127G>A (p.Asp43Asn)

Gene: AP5Z1 (adaptor related protein complex 5 subunit zeta 1; plus strand). Cytogenetic location: 7p22.1.
Variant type: single nucleotide variant.
Coding change: c.127G>A on transcript NM_014855.3 (MANE Select); coding-DNA position 127, G replaced by A.
Protein change: p.Asp43Asn; replaces aspartic acid 43 with asparagine.
Molecular consequence: missense variant. On other transcripts: 5 prime UTR variant (1), non-coding transcript variant (1).
Genome position (GRCh38, 1-based): chr7:4,781,260, G>A. VCF-style: chr7-4781260-G-A. GRCh37 (hg19) VCF-style: chr7-4820891-G-A.
Other names: c.127G>A, p.Asp43Asn (LRG_1247t1); c.-155G>A (NM_001364858.1); short protein forms D43N.
Identifiers: ClinVar variation 412235 (VCV000412235.10), dbSNP rs370859268, ClinGen allele CA4137055.
Genomic context (GRCh38, chr7:4,781,260, plus strand): 5'-AAGTTCTGTTCCCGGATCTGTAAACTGCTGCAGGCGGAGGACTTGGGGCCGGACACCCTC[G>A]ACTCCCTGCAGAGGCTCTTCCTCATCATCTCAGCCACGAAGTACAGCCGGAGGTGAGTGT-3'
Protein context (NP_055670.1, residues 33-53): QAEDLGPDTL[Asp43Asn]SLQRLFLIIS